The following is an entry in ClinVar:

NM_001036.6(RYR3):c.13690G>C (p.Asp4564His)

Genes: AVEN (apoptosis and caspase activation inhibitor; minus strand), RYR3 (ryanodine receptor 3; plus strand), LOC126862094 (CDK7 strongly-dependent group 2 enhancer GRCh37_chr15:34145183-34146382; plus strand). Cytogenetic location: 15q14.
Variant type: single nucleotide variant.
Coding change: c.13690G>C on transcript NM_001036.6 (MANE Select); coding-DNA position 13690, G replaced by C.
Protein change: p.Asp4564His; replaces aspartic acid 4564 with histidine.
Molecular consequence: missense variant.
Genome position (GRCh38, 1-based): chr15:33,853,573, G>C. VCF-style: chr15-33853573-G-C. GRCh37 (hg19) VCF-style: chr15-34145774-G-C.
Other names: c.13675G>C, p.Asp4559His (NM_001243996.4); short protein forms D4559H, D4564H.
Identifiers: ClinVar variation 5019947 (VCV005019947.2).

ClinVar aggregate classification (germline): Uncertain significance (1 of 4 stars; one submission).

Conditions:
Congenital myopathy 20 (CMYO20). Identifiers: MedGen C5830393, MONDO:0957215, OMIM 620310.

gnomAD v4.1: 10 of 1,613,788 alleles (0.00062%); highest among the groups gnomAD compares: East Asian, 0.02%; no homozygotes.

Submission:

Juno Genomics, Hangzhou Juno Genomics, Inc
Classification: Uncertain significance for Congenital myopathy 20. Review status: criteria provided, single submitter. Criteria: ACMG Guidelines, 2015. Collection method: clinical testing. Allele origin: germline.
Comment: Absent from controls (or at extremely low frequency if recessive) in Genome Aggregation Database.;Multiple lines of computational evidence support a deleterious effect on the gene or gene product.;Patient's phenotype or family history is highly specific for a disease with a single genetic etiology.